The following is an entry in ClinVar:

NM_000038.6(APC):c.7427G>A (p.Arg2476Lys)

Gene: APC (APC regulator of Wnt signaling pathway; plus strand). Cytogenetic location: 5q22.2.
Variant type: single nucleotide variant.
Coding change: c.7427G>A on transcript NM_000038.6 (MANE Select); coding-DNA position 7427, G replaced by A.
Protein change: p.Arg2476Lys; replaces arginine 2476 with lysine.
Molecular consequence: missense variant.
Genome position (GRCh38, 1-based): chr5:112,843,021, G>A. VCF-style: chr5-112843021-G-A. GRCh37 (hg19) VCF-style: chr5-112178718-G-A.
Other names: c.7427G>A, p.Arg2476Lys (NM_001127510.3, NM_001354895.2); c.7373G>A, p.Arg2458Lys (NM_001127511.3); c.7481G>A, p.Arg2494Lys (NM_001354896.2); c.7457G>A, p.Arg2486Lys (NM_001354897.2); c.7352G>A, p.Arg2451Lys (NM_001354898.2); c.7343G>A, p.Arg2448Lys (NM_001354899.2); c.7304G>A, p.Arg2435Lys (NM_001354900.2); c.7250G>A, p.Arg2417Lys (NM_001354901.2); and 5 more; short protein forms R2458K, R2476K, R2448K, R2486K, R2316K, R2451K, R2350K, R2385K.
Identifiers: ClinVar variation 419576 (VCV000419576.4), dbSNP rs1064793966, ClinGen allele CA16037492.
Genomic context (GRCh38, chr5:112,843,021, plus strand): 5'-TGGAGGAATCTGCTTCATTTGAATCTCTTTCTCCATCATCTAGACCAGCTTCTCCCACTA[G>A]GTCCCAGGCACAAACTCCAGTTTTAAGTCCTTCCCTTCCTGATATGTCTCTATCCACACA-3'
Protein context (NP_000029.2, residues 2466-2486): SPSSRPASPT[Arg2476Lys]SQAQTPVLSP

ClinVar aggregate classification (germline): Uncertain significance. Review status: criteria provided, multiple submitters, no conflicts (2 of 4 stars). 2 submissions from 2 submitters: Uncertain significance (2). Last evaluated 2020-11-11.

Conditions:
Hereditary cancer-predisposing syndrome. Also called: Hereditary neoplastic syndrome; Tumor predisposition; Neoplastic Syndromes, Hereditary; Hereditary Cancer Syndrome. Identifiers: Orphanet 140162, MedGen C0027672, MeSH D009386, MONDO:0015356.

Submissions (2):

Ambry Genetics
Classification: Uncertain significance for Hereditary cancer-predisposing syndrome. Last evaluated: 2020-11-11. Review status: criteria provided, single submitter. Criteria: Ambry Variant Classification Scheme 2023. Collection method: clinical testing. Allele origin: germline.
Comment: The p.R2476K variant (also known as c.7427G>A), located in coding exon 15 of the APC gene, results from a G to A substitution at nucleotide position 7427. The arginine at codon 2476 is replaced by lysine, an amino acid with highly similar properties. This amino acid position is well conserved in available vertebrate species. In addition, in silico predictors for this gene do not accurately predict pathogenicity. Since supporting evidence is limited at this time, the clinical significance of this alteration remains unclear.

GeneDx
Classification: Uncertain significance. Last evaluated: 2015-07-28. Review status: criteria provided, single submitter. Criteria: GeneDx Variant Classification (06012015). Collection method: clinical testing. Allele origin: germline. Affected: yes.
Comment: This variant is denoted APC c.7427G>A at the cDNA level, p.Arg2476Lys (R2476K) at the protein level, and results in the change of an Arginine to a Lysine (AGG>AAG). This variant has not, to our knowledge, been published in the literature as pathogenic or benign. APC Arg2476Lys was not observed in approximately 6,500 individuals of European and African American ancestry in the NHLBI Exome Sequencing Project, indicating it is not a common benign variant in these populations. Since Arginine and Lysine share similar properties, this is considered a conservative amino acid substitution. APC Arg2476Lys occurs at a position that is conserved in mammals and is located in the Ser-rich region (UniProt). In silico analyses are inconsistent regarding the effect this variant may have on protein structure and function. Based on currently available information, it is unclear whether APC Arg2476Lys is pathogenic or benign. We consider it to be a variant of uncertain significance.